The following is an entry in ClinVar:

ClinVar aggregate classification (germline): Conflicting classifications of pathogenicity. Review status: criteria provided, conflicting classifications (1 of 4 stars). 2 submissions from 2 submitters: Uncertain significance (1); Benign (1). Last evaluated 2025-07-30.

Conditions:
Episodic ataxia type 6. Identifiers: Orphanet 209967, MedGen C2675211, MONDO:0012982, OMIM 612656.

Allele frequency attached by ClinVar (database versions not stated): TOPMed 0.00003; gnomAD 0.00007; gnomAD exomes 0.00007; ExAC 0.00012; ESP Exome Variant Server 0.00023.
gnomAD v4.1: 82 of 1,613,902 alleles (0.0051%); highest among the groups gnomAD compares: Non-Finnish European, 0.006%; no homozygotes.

Submissions (2):

Labcorp Genetics (formerly Invitae), Labcorp
Classification: Uncertain significance. Last evaluated: 2025-07-30. Review status: criteria provided, single submitter. Criteria: Invitae Variant Classification Sherloc (09022015). Collection method: clinical testing. Allele origin: germline.
Comment: This sequence change replaces leucine, which is neutral and non-polar, with phenylalanine, which is neutral and non-polar, at codon 27 of the SLC1A3 protein (p.Leu27Phe). This variant is present in population databases (rs146939026, gnomAD 0.01%). This variant has not been reported in the literature in individuals affected with SLC1A3-related conditions. ClinVar contains an entry for this variant (Variation ID: 353307). An algorithm developed to predict the effect of missense changes on protein structure and function (PolyPhen-2) suggests that this variant is likely to be disruptive. In summary, the available evidence is currently insufficient to determine the role of this variant in disease. Therefore, it has been classified as a Variant of Uncertain Significance.

Illumina Laboratory Services, Illumina
Classification: Benign for Episodic ataxia type 6. Last evaluated: 2018-01-12. Review status: criteria provided, single submitter. Criteria: ICSL Variant Classification Criteria 13 December 2019. Collection method: clinical testing. Allele origin: germline.
Comment: This variant was observed in the ICSL laboratory as part of a predisposition screen in an ostensibly healthy population. It had not been previously curated by ICSL or reported in the Human Gene Mutation Database (HGMD: prior to June 1st, 2018), and was therefore a candidate for classification through an automated scoring system. Utilizing variant allele frequency, disease prevalence and penetrance estimates, and inheritance mode, an automated score was calculated to assess if this variant is too frequent to cause the disease. Based on the score and internal cut-off values, a variant classified as benign is not then subjected to further curation. The score for this variant resulted in a classification of benign for this disease.

NM_004172.5(SLC1A3):c.79C>T (p.Leu27Phe)

Gene: SLC1A3 (solute carrier family 1 member 3; plus strand). Cytogenetic location: 5p13.2.
Variant type: single nucleotide variant.
Coding change: c.79C>T on transcript NM_004172.5 (MANE Select); coding-DNA position 79, C replaced by T.
Protein change: p.Leu27Phe; replaces leucine 27 with phenylalanine.
Molecular consequence: missense variant.
Genome position (GRCh38, 1-based): chr5:36,608,502, C>T. VCF-style: chr5-36608502-C-T. GRCh37 (hg19) VCF-style: chr5-36608604-C-T.
Other names: c.79C>T, p.Leu27Phe (NM_001166695.3, NM_001166696.3, NM_001289939.2 and 1 more transcripts); short protein forms L27F.
Identifiers: ClinVar variation 353307 (VCV000353307.9), dbSNP rs146939026, ClinGen allele CA3235322.